The following is an entry in ClinVar:

ClinVar aggregate classification (germline): Uncertain significance. Review status: criteria provided, single submitter (1 of 4 stars). 2 submissions from 2 submitters: Uncertain significance (1). 1 of the submissions does not count toward it. Last evaluated 2025-08-31.

Conditions:
ADCY3-related disorder. Also called: ADCY3-related condition.
Inborn genetic diseases. Identifiers: MedGen C0950123, MeSH D030342.

Submissions (2):

Ambry Genetics
Classification: Uncertain significance for Inborn genetic diseases. Last evaluated: 2025-08-31. Review status: criteria provided, single submitter. Criteria: Ambry Variant Classification Scheme 2023. Collection method: clinical testing. Allele origin: germline.

PreventionGenetics, part of Exact Sciences
Classification: Uncertain significance for ADCY3-related condition. Last evaluated: 2024-03-05. Review status: no assertion criteria provided. Collection method: clinical testing. Allele origin: germline. Not counted in ClinVar's aggregate classification.
Comment: The ADCY3 c.1693C>T variant is predicted to result in the amino acid substitution p.Arg565Trp. To our knowledge, this variant has not been reported in the literature. This variant is reported in 0.0018% of alleles in individuals of European (Non-Finnish) descent in gnomAD. At this time, the clinical significance of this variant is uncertain due to the absence of conclusive functional and genetic evidence.

NM_004036.5(ADCY3):c.1693C>T (p.Arg565Trp)

Gene: ADCY3 (adenylate cyclase 3; minus strand). Cytogenetic location: 2p23.3.
Variant type: single nucleotide variant.
Coding change: c.1693C>T on transcript NM_004036.5 (MANE Select); coding-DNA position 1693, C replaced by T.
Protein change: p.Arg565Trp; replaces arginine 565 with tryptophan.
Molecular consequence: missense variant.
Genome position (GRCh38, 1-based): chr2:24,834,906, G>A on the plus strand (C>T on the coding strand, the complement: ADCY3 is on the minus strand). VCF-style: chr2-24834906-G-A. GRCh37 (hg19) VCF-style: chr2-25057775-G-A.
Other names: c.1693C>T, p.Arg565Trp (NM_001377132.1, NM_001320613.2, NM_001377129.1 and 1 more transcripts); c.1759C>T, p.Arg587Trp (NM_001377128.1); c.970C>T, p.Arg324Trp (NM_001377131.1); c.1693C>T (NM_004036.3); short protein forms R324W, R565W, R587W.
Identifiers: ClinVar variation 3352664 (VCV003352664.2).